The following is an entry in ClinVar:

ClinVar aggregate classification (germline): Uncertain significance (1 of 4 stars; one submission).

Conditions:
DCDC2-related disorder. Also called: DCDC2-related condition.

gnomAD v4.1: 5 of 1,613,724 alleles (0.00031%); highest among the groups gnomAD compares: African/African-American, 0.0027%; no homozygotes.

Submission:

PreventionGenetics, part of Exact Sciences
Classification: Uncertain significance for DCDC2-related condition. Last evaluated: 2026-08-19. Review status: criteria provided, single submitter. Criteria: ACMG Guidelines, 2015. Collection method: clinical testing. Allele origin: germline.
Comment: The DCDC2 c.811C>T variant is predicted to result in the amino acid substitution p.Pro271Ser. To our knowledge, this variant has not been reported in the literature or in a large population database (gnomAD), indicating this variant is rare. At this time, the clinical significance of this variant is uncertain due to the absence of conclusive functional and genetic evidence.

NM_016356.5(DCDC2):c.811C>T (p.Pro271Ser)

Gene: DCDC2 (doublecortin domain containing 2; minus strand). Cytogenetic location: 6p22.3.
Variant type: single nucleotide variant.
Coding change: c.811C>T on transcript NM_016356.5 (MANE Select); coding-DNA position 811, C replaced by T.
Protein change: p.Pro271Ser; replaces proline 271 with serine.
Molecular consequence: missense variant.
Genome position (GRCh38, 1-based): chr6:24,278,160, G>A on the plus strand (C>T on the coding strand, the complement: DCDC2 is on the minus strand). VCF-style: chr6-24278160-G-A. GRCh37 (hg19) VCF-style: chr6-24278388-G-A.
Other names: c.811C>T, p.Pro271Ser (NM_001195610.2); short protein forms P271S.
Identifiers: ClinVar variation 4989531 (VCV004989531.1).